The following is an entry in ClinVar:

NM_002529.4(NTRK1):c.164C>A (p.Ala55Asp)

Gene: NTRK1 (neurotrophic receptor tyrosine kinase 1; plus strand). Cytogenetic location: 1q23.1.
Variant type: single nucleotide variant.
Coding change: c.164C>A on transcript NM_002529.4 (MANE Select); coding-DNA position 164, C replaced by A.
Protein change: p.Ala55Asp; replaces alanine 55 with aspartic acid.
Molecular consequence: missense variant. On other transcripts: intron variant (1).
Genome position (GRCh38, 1-based): chr1:156,861,098, C>A. VCF-style: chr1-156861098-C-A. GRCh37 (hg19) VCF-style: chr1-156830890-C-A.
Other names: c.164C>A, p.Ala55Asp (NM_001012331.2); c.123-3256C>A (NM_001007792.1); short protein forms A55D.
Identifiers: ClinVar variation 936750 (VCV000936750.12), dbSNP rs1266709497, ClinGen allele CA342929908.
Genomic context (GRCh38, chr1:156,861,098, plus strand): 5'-CCTGCCCCGATGCCTGCTGCCCCCACGGCTCCTCGGGACTGCGATGCACCCGGGATGGGG[C>A]CCTGGATAGCCTCCACCACCTGCCCGGCGCAGAGAACCTGACTGAGCTGTGAGTGTCCGG-3'
Protein context (NP_002520.2, residues 45-65): SSGLRCTRDG[Ala55Asp]LDSLHHLPGA

ClinVar aggregate classification (germline): Uncertain significance. Review status: criteria provided, single submitter (1 of 4 stars). 2 submissions from 2 submitters: Uncertain significance (1). 1 of the submissions does not count toward it. Last evaluated 2025-01-06.

Conditions:
Hereditary insensitivity to pain with anhidrosis (CIPA). Also called: NTRK1 Congenital Insensitivity to Pain with Anhidrosis; INSENSITIVITY TO PAIN, CONGENITAL, WITH ANHIDROSIS; HSAN Type IV; hereditary sensory and autonomic neuropathy type 4; NEUROPATHY, CONGENITAL SENSORY, WITH ANHIDROSIS; FAMILIAL DYSAUTONOMIA, TYPE II. Identifiers: Orphanet 642, MedGen C0020074, MONDO:0009746, OMIM 256800.

Allele frequency attached by ClinVar (database versions not stated): gnomAD exomes below 0.00001; gnomAD 0.00001; TOPMed 0.00001.

Submissions (2):

Labcorp Genetics (formerly Invitae), Labcorp
Classification: Uncertain significance for Hereditary insensitivity to pain with anhidrosis. Last evaluated: 2025-01-06. Review status: criteria provided, single submitter. Criteria: Invitae Variant Classification Sherloc (09022015). Collection method: clinical testing. Allele origin: germline.
Comment: This sequence change replaces alanine, which is neutral and non-polar, with aspartic acid, which is acidic and polar, at codon 55 of the NTRK1 protein (p.Ala55Asp). The frequency data for this variant in the population databases is considered unreliable, as metrics indicate poor data quality at this position in the gnomAD database. This variant has not been reported in the literature in individuals affected with NTRK1-related conditions. ClinVar contains an entry for this variant (Variation ID: 936750). Invitae Evidence Modeling of protein sequence and biophysical properties (such as structural, functional, and spatial information, amino acid conservation, physicochemical variation, residue mobility, and thermodynamic stability) indicates that this missense variant is not expected to disrupt NTRK1 protein function with a negative predictive value of 95%. In summary, the available evidence is currently insufficient to determine the role of this variant in disease. Therefore, it has been classified as a Variant of Uncertain Significance.

Natera, Inc.
Classification: Uncertain significance for Hereditary insensitivity to pain with anhidrosis. Last evaluated: 2020-02-26. Review status: no assertion criteria provided. Collection method: clinical testing. Allele origin: germline. Not counted in ClinVar's aggregate classification.